The following is an entry in ClinVar:

ClinVar aggregate classification (germline): Uncertain significance. Review status: criteria provided, multiple submitters, no conflicts (2 of 4 stars). 3 submissions from 3 submitters: Uncertain significance (3). Last evaluated 2024-05-21.

Conditions:
Inborn genetic diseases. Identifiers: MedGen C0950123, MeSH D030342.
Charcot-Marie-Tooth disease type 1C. Also called: HMSN IC; CHARCOT-MARIE-TOOTH NEUROPATHY, TYPE 1C; NEUROPATHY, HEREDITARY MOTOR AND SENSORY, TYPE IC; CHARCOT-MARIE-TOOTH DISEASE, DEMYELINATING, TYPE 1C; CMT, SLOW NERVE CONDUCTION TYPE C; Charcot-Marie-Tooth disease, type IC. Identifiers: Orphanet 101083, MedGen C0270913, MONDO:0010995, OMIM 601098.

Allele frequency attached by ClinVar (database versions not stated): gnomAD 0.00001; gnomAD exomes 0.00001.
gnomAD v4.1: 9 of 1,612,324 alleles (0.00056%); highest among the groups gnomAD compares: East Asian, 0.0022%; no homozygotes.

Submissions (3):

Labcorp Genetics (formerly Invitae), Labcorp
Classification: Uncertain significance for Charcot-Marie-Tooth disease type 1C. Last evaluated: 2024-05-21. Review status: criteria provided, single submitter. Criteria: Invitae Variant Classification Sherloc (09022015). Collection method: clinical testing. Allele origin: germline.
Comment: This sequence change replaces alanine, which is neutral and non-polar, with valine, which is neutral and non-polar, at codon 129 of the LITAF protein (p.Ala129Val). The frequency data for this variant in the population databases is considered unreliable, as metrics indicate poor data quality at this position in the gnomAD database. This variant has not been reported in the literature in individuals affected with LITAF-related conditions. ClinVar contains an entry for this variant (Variation ID: 317780). Algorithms developed to predict the effect of missense changes on protein structure and function output the following: SIFT: "Not Available"; PolyPhen-2: "Benign"; Align-GVGD: "Not Available". The valine amino acid residue is found in multiple mammalian species, which suggests that this missense change does not adversely affect protein function. In summary, the available evidence is currently insufficient to determine the role of this variant in disease. Therefore, it has been classified as a Variant of Uncertain Significance.

Ambry Genetics
Classification: Uncertain significance for Inborn genetic diseases. Last evaluated: 2021-05-11. Review status: criteria provided, single submitter. Criteria: Ambry Variant Classification Scheme 2023. Collection method: clinical testing. Allele origin: germline.
Comment: The p.A129V variant (also known as c.386C>T), located in coding exon 3 of the LITAF gene, results from a C to T substitution at nucleotide position 386. The alanine at codon 129 is replaced by valine, an amino acid with similar properties. This amino acid position is well conserved in available vertebrate species; however, valine is the reference amino acid in other vertebrate species. In addition, this alteration is predicted to be tolerated by in silico analysis. Since supporting evidence is limited at this time, the clinical significance of this alteration remains unclear.

Illumina Laboratory Services, Illumina
Classification: Uncertain significance for Charcot-Marie-Tooth disease type 1C. Last evaluated: 2018-01-12. Review status: criteria provided, single submitter. Criteria: ICSL Variant Classification Criteria 13 December 2019. Collection method: clinical testing. Allele origin: germline.

NM_001136472.2(LITAF):c.386C>T (p.Ala129Val)

Gene: LITAF (lipopolysaccharide induced TNF factor; minus strand). Cytogenetic location: 16p13.13.
Variant type: single nucleotide variant.
Coding change: c.386C>T on transcript NM_001136472.2 (MANE Select); coding-DNA position 386, C replaced by T.
Protein change: p.Ala129Val; replaces alanine 129 with valine.
Molecular consequence: missense variant. On other transcripts: 3 prime UTR variant (1), non-coding transcript variant (1).
Genome position (GRCh38, 1-based): chr16:11,549,737, G>A on the plus strand (C>T on the coding strand, the complement: LITAF is on the minus strand). VCF-style: chr16-11549737-G-A. GRCh37 (hg19) VCF-style: chr16-11643593-G-A.
Other names: c.*25C>T (NM_001136473.1); c.386C>T, p.Ala129Val (NM_004862.4); short protein forms A129V.
Identifiers: ClinVar variation 317780 (VCV000317780.15), dbSNP rs201512884, ClinGen allele CA7904028.